The following is an entry in ClinVar:

ClinVar aggregate classification (germline): Conflicting classifications of pathogenicity. Review status: criteria provided, conflicting classifications (1 of 4 stars). 4 submissions from 4 submitters: Uncertain significance (1); Likely benign (3). Last evaluated 2026-01-12.

Conditions:
Charcot-Marie-Tooth disease type 2. Also called: Charcot-Marie-Tooth type 2. Identifiers: Orphanet 64746, MedGen C0270914, MONDO:0018993.
Primary dilated cardiomyopathy (DCM). Also called: Dilated Cardiomyopathy. Identifiers: Orphanet 217604, MedGen C0007193, MeSH D002311, MONDO:0005021, HP:0001644. Inheritance: Various modes of inheritance.
Cardiomyopathy (CMYO). Also called: Cardiomyopathies. Identifiers: Orphanet 167848, MedGen C0878544, MONDO:0004994, HP:0001638. Inheritance: Various modes of inheritance.

Submissions (4):

Labcorp Genetics (formerly Invitae), Labcorp
Classification: Likely benign for Charcot-Marie-Tooth disease type 2. Last evaluated: 2026-01-12. Review status: criteria provided, single submitter. Criteria: Invitae Variant Classification Sherloc (09022015). Collection method: clinical testing. Allele origin: germline.

All of Us Research Program, National Institutes of Health
Classification: Likely benign for Primary dilated cardiomyopathy. Last evaluated: 2024-05-14. Review status: criteria provided, single submitter. Criteria: ACMG Guidelines, 2015. Collection method: clinical testing. Allele origin: germline. Inheritance: Autosomal dominant inheritance. Observed: 1 variant allele, 1 heterozygote.
Comment: This study involves interpretation of variants in research participants for the purpose of population health screening. Participant phenotype was not available at the time of variant classification. Additional details can be found in publication PMID: 35346344, PMCID: PMC8962531

Revvity Omics, Revvity
Classification: Uncertain significance. Last evaluated: 2024-01-01. Review status: criteria provided, single submitter. Criteria: ACMG Guidelines, 2015. Collection method: clinical testing. Allele origin: germline.

Color Diagnostics, LLC DBA Color Health
Classification: Likely benign for Cardiomyopathy. Last evaluated: 2021-06-15. Review status: criteria provided, single submitter. Criteria: ACMG Guidelines, 2015. Collection method: clinical testing. Allele origin: germline.

NM_170707.4(LMNA):c.1584G>C (p.Thr528=)

Gene: LMNA (lamin A/C; plus strand). Cytogenetic location: 1q22.
Variant type: single nucleotide variant.
Coding change: c.1584G>C on transcript NM_170707.4 (MANE Select); coding-DNA position 1584, G replaced by C.
Protein change: p.Thr528=; no amino-acid change (threonine 528 retained).
Molecular consequence: synonymous variant.
Genome position (GRCh38, 1-based): chr1:156,137,208, G>C. VCF-style: chr1-156137208-G-C. GRCh37 (hg19) VCF-style: chr1-156106999-G-C.
Other names: c.1584G>C (NM_170707.3); c.1248G>C, p.Thr416= (NM_001257374.3); c.1341G>C, p.Thr447= (NM_001282624.2); c.1584G>C, p.Thr528= (NM_001282625.2, NM_001282626.2, NM_005572.4 and 1 more transcripts).
Identifiers: ClinVar variation 1332572 (VCV001332572.10), dbSNP rs80356812, ClinGen allele CA421069173.
Genomic context (GRCh38, chr1:156,137,208, plus strand): 5'-CCCTACCGACCTGGTGTGGAAGGCACAGAACACCTGGGGCTGCGGGAACAGCCTGCGTAC[G>C]GCTCTCATCAACTCCACTGGGGAAGTAAGTAGGCCTGGGCCTGGCTGCTTGCTGGACGAG-3'
Protein context (NP_733821.1, residues 518-538): NTWGCGNSLR[Thr528=]ALINSTGEEV